The following is an entry in ClinVar:

ClinVar aggregate classification (germline): Uncertain significance (1 of 4 stars; one submission).

Submission:

Labcorp Genetics (formerly Invitae), Labcorp
Classification: Uncertain significance. Last evaluated: 2022-09-07. Review status: criteria provided, single submitter. Criteria: Invitae Variant Classification Sherloc (09022015). Collection method: clinical testing. Allele origin: germline.
Comment: This variant, c.6343_6345del, results in the deletion of 1 amino acid(s) of the VCAN protein (p.Thr2115del), but otherwise preserves the integrity of the reading frame. This variant is not present in population databases (gnomAD no frequency). This variant has not been reported in the literature in individuals affected with VCAN-related conditions. Experimental studies and prediction algorithms are not available or were not evaluated, and the functional significance of this variant is currently unknown. In summary, the available evidence is currently insufficient to determine the role of this variant in disease. Therefore, it has been classified as a Variant of Uncertain Significance.

NM_004385.5(VCAN):c.6340ACA[1] (p.Thr2115del)

Genes: VCAN (versican; plus strand), VCAN-AS1 (VCAN antisense RNA 1; minus strand). Cytogenetic location: 5q14.3.
Variant type: Microsatellite.
Coding change: c.6340ACA[1] on transcript NM_004385.5 (MANE Select); one copy of the 3-base unit ACA starting at c.6340; the reference has two copies in a row; one copy, 3 bases deleted.
Protein change: p.Thr2115del; deletes threonine 2115.
Molecular consequence: inframe deletion. On other transcripts: intron variant (2).
Genome position (GRCh38, 1-based): chr5:83,539,346-83,539,348, ACA deleted; deleting any 3 consecutive bases within chr5:83,539,342-83,539,348 gives the same sequence; the position shown is the placement nearest the transcript's 3' end. VCF-style (leftmost placement, unchanged base first): chr5-83539341-AAAC-A. GRCh37 (hg19) VCF-style: chr5-82835160-AAAC-A.
Other names: c.3379ACA[1], p.Thr1128del (NM_001164097.2); c.4004-6191_4004-6189del (NM_001164098.2); c.1043-6191_1043-6189del (NM_001126336.3); short protein forms T2115del, T1128del.
Identifiers: ClinVar variation 1503435 (VCV001503435.6), dbSNP rs1485795393, ClinGen allele CA814676850.